The following is an entry in ClinVar:

ClinVar aggregate classification (germline): Likely pathogenic (1 of 4 stars; one submission).

Conditions:
Charcot-Marie-Tooth disease type 2. Also called: Charcot-Marie-Tooth type 2. Identifiers: Orphanet 64746, MedGen C0270914, MONDO:0018993.

Allele frequency attached by ClinVar (database versions not stated): gnomAD exomes below 0.00001.
gnomAD v4.1: 1 of 1,613,906 alleles (0.000062%); highest among the groups gnomAD compares: Admixed American, 0.0017%; no homozygotes.

Submission:

Labcorp Genetics (formerly Invitae), Labcorp
Classification: Likely pathogenic for Charcot-Marie-Tooth disease type 2. Last evaluated: 2023-12-08. Review status: criteria provided, single submitter. Criteria: Invitae Variant Classification Sherloc (09022015). Collection method: clinical testing. Allele origin: germline.
Comment: This sequence change affects a donor splice site in intron 7 of the AARS gene. It is expected to disrupt RNA splicing. Variants that disrupt the donor or acceptor splice site typically lead to a loss of protein function (PMID: 16199547), and loss-of-function variants in AARS are known to be pathogenic (PMID: 25817015, 28493438, 34446925). This variant is present in population databases (no rsID available, gnomAD 0.003%). This variant has not been reported in the literature in individuals affected with AARS-related conditions. Algorithms developed to predict the effect of sequence changes on RNA splicing suggest that this variant may disrupt the consensus splice site. In summary, the currently available evidence indicates that the variant is pathogenic, but additional data are needed to prove that conclusively. Therefore, this variant has been classified as Likely Pathogenic.

Literature cited by the submitters: PubMed 16199547; PubMed 25817015; PubMed 28493438; PubMed 34446925.

NM_001605.3(AARS1):c.962+1G>T

Gene: AARS1 (alanyl-tRNA synthetase 1; minus strand). Cytogenetic location: 16q22.1.
Variant type: single nucleotide variant.
Coding change: c.962+1G>T on transcript NM_001605.3 (MANE Select); the canonical splice donor site of the intron after coding-DNA position 962, G replaced by T.
Molecular consequence: splice donor variant.
Genome position (GRCh38, 1-based): chr16:70,269,617, C>A on the plus strand (G>T on the coding strand, the complement: AARS1 is on the minus strand). VCF-style: chr16-70269617-C-A. GRCh37 (hg19) VCF-style: chr16-70303520-C-A.
Identifiers: ClinVar variation 2713055 (VCV002713055.3), dbSNP rs1361458223, ClinGen allele CA396564393.